The following is an entry in ClinVar:

ClinVar aggregate classification (germline): Uncertain significance (1 of 4 stars; one submission).

Allele frequency attached by ClinVar (database versions not stated): ExAC 0.00002; gnomAD exomes 0.00002 and 0.00004.
gnomAD v4.1: 53 of 1,613,770 alleles (0.0033%); highest among the groups gnomAD compares: Non-Finnish European, 0.0044%; no homozygotes.

Submission:

Labcorp Genetics (formerly Invitae), Labcorp
Classification: Uncertain significance. Last evaluated: 2021-10-19. Review status: criteria provided, single submitter. Criteria: Invitae Variant Classification Sherloc (09022015). Collection method: clinical testing. Allele origin: germline.
Comment: In summary, the available evidence is currently insufficient to determine the role of this variant in disease. Therefore, it has been classified as a Variant of Uncertain Significance. This sequence change replaces glycine with aspartic acid at codon 571 of the PROM1 protein (p.Gly571Asp). The glycine residue is weakly conserved and there is a moderate physicochemical difference between glycine and aspartic acid. This variant is present in population databases (rs745648882, ExAC 0.003%). This variant has not been reported in the literature in individuals with PROM1-related conditions. Algorithms developed to predict the effect of missense changes on protein structure and function (SIFT, PolyPhen-2, Align-GVGD) all suggest that this variant is likely to be tolerated, but these predictions have not been confirmed by published functional studies and their clinical significance is uncertain.

NM_006017.3(PROM1):c.1712G>A (p.Gly571Asp)

Gene: PROM1 (prominin 1; minus strand). Cytogenetic location: 4p15.32.
Variant type: single nucleotide variant.
Coding change: c.1712G>A on transcript NM_006017.3 (MANE Select); coding-DNA position 1712, G replaced by A.
Protein change: p.Gly571Asp; replaces glycine 571 with aspartic acid.
Molecular consequence: missense variant.
Genome position (GRCh38, 1-based): chr4:15,994,042, C>T on the plus strand (G>A on the coding strand, the complement: PROM1 is on the minus strand). VCF-style: chr4-15994042-C-T. GRCh37 (hg19) VCF-style: chr4-15995665-C-T.
Other names: c.1685G>A, p.Gly562Asp (NM_001145847.2, NM_001145848.2, NM_001145851.2 and 4 more transcripts); c.1712G>A, p.Gly571Asp (NM_001145849.2, NM_001145850.2); short protein forms G562D, G571D.
Identifiers: ClinVar variation 1497898 (VCV001497898.6), dbSNP rs745648882, ClinGen allele CA2866663.